The following is an entry in ClinVar:

ClinVar aggregate classification (germline): Uncertain significance (1 of 4 stars; one submission).

Conditions:
Cardiovascular phenotype. Identifiers: MedGen CN230736.

Submission:

Ambry Genetics
Classification: Uncertain significance for Cardiovascular phenotype. Last evaluated: 2026-07-17. Review status: criteria provided, single submitter. Criteria: Ambry Variant Classification Scheme 2023. Collection method: clinical testing. Allele origin: germline.
Comment: The p.G576V variant (also known as c.1727G>T), located in coding exon 8 of the SHOC2 gene, results from a G to T substitution at nucleotide position 1727. The glycine at codon 576 is replaced by valine, an amino acid with dissimilar properties. This amino acid position is conserved. In addition, this alteration is predicted to be deleterious by in silico analysis. Based on the available evidence, the clinical significance of this variant remains unclear.

NM_007373.4(SHOC2):c.1727G>T (p.Gly576Val)

Gene: SHOC2 (SHOC2 leucine rich repeat scaffold protein; plus strand). Cytogenetic location: 10q25.2.
Variant type: single nucleotide variant.
Coding change: c.1727G>T on transcript NM_007373.4 (MANE Select); coding-DNA position 1727, G replaced by T.
Protein change: p.Gly576Val; replaces glycine 576 with valine.
Molecular consequence: missense variant. On other transcripts: non-coding transcript variant (1), 3 prime UTR variant (1).
Genome position (GRCh38, 1-based): chr10:111,011,796, G>T. VCF-style: chr10-111011796-G-T. GRCh37 (hg19) VCF-style: chr10-112771554-G-T.
Other names: c.1058G>T, p.Gly353Val (NM_001441188.1); c.644G>T, p.Gly215Val (NM_001441189.1, NM_001441190.1, NM_001441191.1); c.1589G>T, p.Gly530Val (NM_001269039.3, NM_001441186.1); c.1727G>T, p.Gly576Val (NM_001324336.2, NM_001324337.2, NM_001441184.1 and 1 more transcripts); c.*169G>T (NM_001441187.1); short protein forms G353V, G530V, G576V, G215V.
Identifiers: ClinVar variation 5029550 (VCV005029550.1).
Genomic context (GRCh38, chr10:111,011,796, plus strand): 5'-TTCCACCTCAGATTGTTGCTGGGGGGCCTTCTTTCATCATTCAGTTCTTAAAGATGCAGG[G>T]TCCATATCGTGCCATGGTCTGATATAAATCTGCTGGTCCCACACACTGTTCAAAAATAGA-3'
Protein context (NP_031399.2, residues 566-582): SFIIQFLKMQ[Gly576Val]PYRAMV